The following is an entry in ClinVar:

NM_007363.5(NONO):c.403C>T (p.Arg135Cys)

Gene: NONO (non-POU domain containing octamer binding; plus strand). Cytogenetic location: Xq13.1.
Variant type: single nucleotide variant.
Coding change: c.403C>T on transcript NM_007363.5 (MANE Select); coding-DNA position 403, C replaced by T.
Protein change: p.Arg135Cys; replaces arginine 135 with cysteine.
Molecular consequence: missense variant.
Genome position (GRCh38, 1-based): chrX:71,294,281, C>T. VCF-style: chrX-71294281-C-T. GRCh37 (hg19) VCF-style: chrX-70514131-C-T.
Other names: c.403C>T, p.Arg135Cys (NM_001145408.2, NM_001145409.2); c.136C>T, p.Arg46Cys (NM_001145410.2); short protein forms R135C, R46C.
Identifiers: ClinVar variation 453178 (VCV000453178.3), dbSNP rs1016039382, ClinGen allele CA331033409.

ClinVar aggregate classification (germline): Uncertain significance (1 of 4 stars; one submission).

Allele frequency attached by ClinVar (database versions not stated): gnomAD exomes below 0.00001.
gnomAD v4.1: 1 of 1,212,091 alleles (0.000083%); highest among the groups gnomAD compares: Non-Finnish European, 0.00011%; no homozygotes.

Submission:

GeneDx
Classification: Uncertain significance. Last evaluated: 2024-06-04. Review status: criteria provided, single submitter. Criteria: GeneDx Variant Classification Process June 2021. Collection method: clinical testing. Allele origin: germline. Affected: yes.
Comment: Has not been previously published as pathogenic or benign to our knowledge; Not observed in large population cohorts (gnomAD); In silico analysis supports that this missense variant has a deleterious effect on protein structure/function